The following is an entry in ClinVar:

NM_152564.5(VPS13B):c.916G>A (p.Asp306Asn)

Gene: VPS13B (vacuolar protein sorting 13 homolog B; plus strand). Cytogenetic location: 8q22.2.
Variant type: single nucleotide variant.
Coding change: c.916G>A on transcript NM_152564.5 (MANE Select); coding-DNA position 916, G replaced by A.
Protein change: p.Asp306Asn; replaces aspartic acid 306 with asparagine.
Molecular consequence: missense variant. On other transcripts: non-coding transcript variant (1).
Genome position (GRCh38, 1-based): chr8:99,115,853, G>A. VCF-style: chr8-99115853-G-A. GRCh37 (hg19) VCF-style: chr8-100128081-G-A.
Other names: c.916G>A, p.Asp306Asn (NM_015243.3, NM_017890.5, NM_181661.3); short protein forms D306N.
Identifiers: ClinVar variation 3345746 (VCV003345746.1).
Genomic context (GRCh38, chr8:99,115,853, plus strand): 5'-TATGGAGAAATAGGCAATTTTAAAGAAGGCGAAATAGAGGACCTTACTTGTCATAATAAA[G>A]ATATGCTAGGAAACATTACAGGTAATGTAAAACTTTATTAAACAAAAACTTTATTTTAAG-3'
Protein context (NP_689777.3, residues 296-316): EIEDLTCHNK[Asp306Asn]MLGNITGSED

ClinVar aggregate classification (germline): Uncertain significance (0 of 4 stars; one submission).

Conditions:
VPS13B-related disorder. Also called: VPS13B-related condition.

Submission:

PreventionGenetics, part of Exact Sciences
Classification: Uncertain significance for VPS13B-related condition. Last evaluated: 2024-07-16. Review status: no assertion criteria provided. Collection method: clinical testing. Allele origin: germline.
Comment: The VPS13B c.916G>A variant is predicted to result in the amino acid substitution p.Asp306Asn. To our knowledge, this variant has not been reported in the literature or in a large population database, indicating this variant is rare. At this time, the clinical significance of this variant is uncertain due to the absence of conclusive functional and genetic evidence.